The following is an entry in ClinVar:

NM_015271.5(TRIM2):c.2055G>A (p.Lys685=)

Gene: TRIM2 (tripartite motif containing 2; plus strand). Cytogenetic location: 4q31.3.
Variant type: single nucleotide variant.
Coding change: c.2055G>A on transcript NM_015271.5 (MANE Select); coding-DNA position 2055, G replaced by A.
Protein change: p.Lys685=; no amino-acid change (lysine 685 retained).
Molecular consequence: synonymous variant.
Genome position (GRCh38, 1-based): chr4:153,328,562, G>A. VCF-style: chr4-153328562-G-A. GRCh37 (hg19) VCF-style: chr4-154249714-G-A.
Other names: c.1974G>A, p.Lys658= (NM_001130067.2, NM_001375512.1, NM_001375513.1 and 4 more transcripts); c.2040G>A, p.Lys680= (NM_001351054.2); c.2037G>A, p.Lys679= (NM_001351055.2); c.1986G>A, p.Lys662= (NM_001351056.2); c.1599G>A, p.Lys533= (NM_001351057.2); c.2148G>A, p.Lys716= (NM_001375488.1); c.2145G>A, p.Lys715= (NM_001375489.1); c.1998G>A, p.Lys666= (NM_001375490.1); and 5 more.
Identifiers: ClinVar variation 705962 (VCV000705962.13), dbSNP rs138490175, ClinGen allele CA3108898.

ClinVar aggregate classification (germline): Likely benign. Review status: criteria provided, multiple submitters, no conflicts (2 of 4 stars). 3 submissions from 3 submitters: Likely benign (3). Last evaluated 2026-03-25.

Conditions:
Charcot-Marie-Tooth disease type 2R. Also called: Charcot-Marie-Tooth disease, axonal, type 2R; CHARCOT-MARIE-TOOTH DISEASE, AXONAL, AUTOSOMAL RECESSIVE, TYPE 2R; CHARCOT-MARIE-TOOTH NEUROPATHY, TYPE 2R. Identifiers: Orphanet 397968, MedGen C3809655, MONDO:0014208, OMIM 615490.
TRIM2-related disorder. Also called: TRIM2-related condition.

Allele frequency attached by ClinVar (database versions not stated): gnomAD exomes 0.00004 and 0.00013; ExAC 0.00016; 1000 Genomes Project 0.00040; 1000 Genomes Project 30x 0.00047; ESP Exome Variant Server 0.00054; gnomAD 0.00054; TOPMed 0.00063.
gnomAD v4.1: 139 of 1,613,080 alleles (0.0086%); highest among the groups gnomAD compares: African/African-American, 0.17%; 2 homozygotes.

Submissions (3):

PreventionGenetics, part of Exact Sciences
Classification: Likely benign for TRIM2-related condition. Last evaluated: 2026-03-25. Review status: criteria provided, single submitter. Criteria: ACMG Guidelines, 2015. Collection method: clinical testing. Allele origin: germline.
Comment: This variant is classified as likely benign based on ACMG/AMP sequence variant interpretation guidelines (Richards et al. 2015 PMID: 25741868, with internal and published modifications).

Labcorp Genetics (formerly Invitae), Labcorp
Classification: Likely benign for Charcot-Marie-Tooth disease type 2R. Last evaluated: 2025-08-06. Review status: criteria provided, single submitter. Criteria: Invitae Variant Classification Sherloc (09022015). Collection method: clinical testing. Allele origin: germline.

ARUP Laboratories, Molecular Genetics and Genomics, ARUP Laboratories
Classification: Likely benign for Charcot-Marie-Tooth disease type 2R. Last evaluated: 2023-11-22. Review status: criteria provided, single submitter. Criteria: ARUP Molecular Germline Variant Investigation Process 2024. Collection method: clinical testing. Allele origin: germline.